The following is an entry in ClinVar:

ClinVar aggregate classification (germline): Pathogenic (1 of 4 stars; one submission).

Conditions:
COG7 congenital disorder of glycosylation (CDG2E). Also called: CONGENITAL DISORDER OF GLYCOSYLATION, TYPE IIe; CDG IIe. Identifiers: Orphanet 79333, MedGen C2931010, MONDO:0012118, OMIM 608779.

Allele frequency attached by ClinVar (database versions not stated): TOPMed below 0.00001.

Submission:

Labcorp Genetics (formerly Invitae), Labcorp
Classification: Pathogenic for COG7 congenital disorder of glycosylation. Last evaluated: 2024-04-22. Review status: criteria provided, single submitter. Criteria: Invitae Variant Classification Sherloc (09022015). Collection method: clinical testing. Allele origin: germline.
Comment: This sequence change creates a premature translational stop signal (p.Trp603*) in the COG7 gene. It is expected to result in an absent or disrupted protein product. Loss-of-function variants in COG7 are known to be pathogenic (PMID: 21811164). This variant is not present in population databases (gnomAD no frequency). This premature translational stop signal has been observed in individual(s) with COG7-related conditions (Invitae). For these reasons, this variant has been classified as Pathogenic.

Literature cited by the submitters: PubMed 21811164.

NM_153603.4(COG7):c.1808G>A (p.Trp603Ter)

Gene: COG7 (component of oligomeric golgi complex 7; minus strand). Cytogenetic location: 16p12.2.
Variant type: single nucleotide variant.
Coding change: c.1808G>A on transcript NM_153603.4 (MANE Select); coding-DNA position 1808, G replaced by A.
Protein change: p.Trp603Ter; replaces tryptophan 603 with a stop codon.
Molecular consequence: nonsense.
Genome position (GRCh38, 1-based): chr16:23,398,125, C>T on the plus strand (G>A on the coding strand, the complement: COG7 is on the minus strand). VCF-style: chr16-23398125-C-T. GRCh37 (hg19) VCF-style: chr16-23409446-C-T.
Other names: short protein forms W603*.
Identifiers: ClinVar variation 2813995 (VCV002813995.3), dbSNP rs1963314793, ClinGen allele CA395117488.